The following is an entry in ClinVar:

ClinVar aggregate classification (germline): Uncertain significance. Review status: criteria provided, multiple submitters, no conflicts (2 of 4 stars). 3 submissions from 3 submitters: Uncertain significance (3). Last evaluated 2025-08-27.

Conditions:
Hereditary cancer-predisposing syndrome. Also called: Neoplastic Syndromes, Hereditary; Tumor predisposition; Hereditary Cancer Syndrome; Hereditary neoplastic syndrome. Identifiers: Orphanet 140162, MedGen C0027672, MeSH D009386, MONDO:0015356.
Familial adenomatous polyposis 2. Also called: Adenomas, multiple colorectal; MUTYH Polyposis; COLORECTAL ADENOMATOUS POLYPOSIS, AUTOSOMAL RECESSIVE; ADENOMAS, MULTIPLE COLORECTAL, AUTOSOMAL RECESSIVE; MUTYH-associated polyposis; MUTYH-related attenuated familial adenomatous polyposis. Identifiers: Orphanet 220460, Orphanet 247798, MedGen C3272841, MONDO:0012041, OMIM 608456.

Submissions (3):

Ambry Genetics
Classification: Uncertain significance for Hereditary cancer-predisposing syndrome. Last evaluated: 2025-08-27. Review status: criteria provided, single submitter. Criteria: Ambry Variant Classification Scheme 2023. Collection method: clinical testing. Allele origin: germline.
Comment: The p.G507R variant (also known as c.1519G>C) is located in coding exon 16 of the MUTYH gene. The glycine at codon 507 is replaced by arginine, an amino acid with dissimilar properties. This change occurs in the first base pair of coding exon 16. This amino acid position is conserved. In addition, this alteration is predicted to be tolerated by in silico analysis. Based on the available evidence, the clinical significance of this variant remains unclear.

Labcorp Genetics (formerly Invitae), Labcorp
Classification: Uncertain significance for Familial adenomatous polyposis 2. Last evaluated: 2023-05-20. Review status: criteria provided, single submitter. Criteria: Invitae Variant Classification Sherloc (09022015). Collection method: clinical testing. Allele origin: germline.
Comment: In summary, the available evidence is currently insufficient to determine the role of this variant in disease. Therefore, it has been classified as a Variant of Uncertain Significance. An algorithm developed to predict the effect of missense changes on protein structure and function (PolyPhen-2) suggests that this variant is likely to be disruptive. ClinVar contains an entry for this variant (Variation ID: 946824). This variant has not been reported in the literature in individuals affected with MUTYH-related conditions. This variant is not present in population databases (gnomAD no frequency). This sequence change replaces glycine, which is neutral and non-polar, with arginine, which is basic and polar, at codon 507 of the MUTYH protein (p.Gly507Arg).

Baylor Genetics
Classification: Uncertain significance for Familial adenomatous polyposis 2. Last evaluated: 2023-04-30. Review status: criteria provided, single submitter. Criteria: ACMG Guidelines, 2015. Collection method: clinical testing. Allele origin: unknown.

NM_001048174.2(MUTYH):c.1435G>C (p.Gly479Arg)

Gene: MUTYH (mutY DNA glycosylase; minus strand). Cytogenetic location: 1p34.1.
Variant type: single nucleotide variant.
Coding change: c.1435G>C on transcript NM_001048174.2 (MANE Select); coding-DNA position 1435, G replaced by C.
Protein change: p.Gly479Arg; replaces glycine 479 with arginine.
Molecular consequence: missense variant. On other transcripts: non-coding transcript variant (2).
Genome position (GRCh38, 1-based): chr1:45,329,437, C>G on the plus strand (G>C on the coding strand, the complement: MUTYH is on the minus strand). VCF-style: chr1-45329437-C-G. GRCh37 (hg19) VCF-style: chr1-45795109-C-G.
Other names: c.1159G>C, p.Gly387Arg (NM_001293196.2, NM_001293192.2); c.1090G>C, p.Gly364Arg (NM_001350650.2, NM_001350651.2); c.1510G>C, p.Gly504Arg (NM_012222.3); c.1435G>C, p.Gly479Arg (NM_001048171.2, NM_001048173.2, NM_001293195.2); c.1438G>C, p.Gly480Arg (NM_001048172.2); c.1519G>C, p.Gly507Arg (NM_001128425.2); c.1480G>C, p.Gly494Arg (NM_001293190.2); c.1468G>C, p.Gly490Arg (NM_001293191.2); short protein forms G490R, G364R, G387R, G479R, G480R, G494R, G504R, G507R.
Identifiers: ClinVar variation 946824 (VCV000946824.11), dbSNP rs1644383406, ClinGen allele CA340131976.